The following is an entry in ClinVar:

ClinVar aggregate classification (germline): Pathogenic/Likely pathogenic. Review status: criteria provided, multiple submitters, no conflicts (2 of 4 stars). 4 submissions from 4 submitters: Pathogenic (3); Likely pathogenic (1). Last evaluated 2024-09-19.

Conditions:
Hereditary cancer-predisposing syndrome. Also called: Hereditary Cancer Syndrome; Neoplastic Syndromes, Hereditary; Hereditary neoplastic syndrome; Tumor predisposition. Identifiers: Orphanet 140162, MedGen C0027672, MeSH D009386, MONDO:0015356.
Hereditary nonpolyposis colorectal neoplasms. Identifiers: MedGen C0009405, MeSH D003123.
Lynch syndrome 5 (LYNCH5). Also called: Hereditary non-polyposis colorectal cancer, type 5; Colorectal cancer, hereditary nonpolyposis, type 5. Identifiers: Orphanet 144, MedGen C1833477, MONDO:0013710, OMIM 614350. Disease mechanism: loss of function.
Endometrial carcinoma. Also called: Endometrial carcinoma, somatic. Identifiers: MedGen C0476089, MONDO:0002447, OMIM 608089, HP:0012114.

Submissions (4):

Labcorp Genetics (formerly Invitae), Labcorp
Classification: Pathogenic for Hereditary nonpolyposis colorectal neoplasms. Last evaluated: 2024-09-19. Review status: criteria provided, single submitter. Criteria: Invitae Variant Classification Sherloc (09022015). Collection method: clinical testing. Allele origin: germline.
Comment: This sequence change creates a premature translational stop signal (p.Lys646Serfs*2) in the MSH6 gene. It is expected to result in an absent or disrupted protein product. Loss-of-function variants in MSH6 are known to be pathogenic (PMID: 18269114, 24362816). This variant is present in population databases (no rsID available, gnomAD 0.0009%). This variant has not been reported in the literature in individuals affected with MSH6-related conditions. ClinVar contains an entry for this variant (Variation ID: 428368). For these reasons, this variant has been classified as Pathogenic.

Myriad Genetics, Inc.
Classification: Pathogenic for Lynch syndrome 5. Last evaluated: 2023-08-16. Review status: criteria provided, single submitter. Criteria: Myriad Autosomal Dominant, Autosomal Recessive and X-Linked Classification Criteria (2023). Collection method: clinical testing. Allele origin: unknown.
Comment: This variant is considered pathogenic. This variant creates a frameshift predicted to result in premature protein truncation.

Baylor Genetics
Classification: Likely pathogenic for Endometrial carcinoma. Last evaluated: 2023-04-26. Review status: criteria provided, single submitter. Criteria: ACMG Guidelines, 2015. Collection method: clinical testing. Allele origin: unknown.

Ambry Genetics
Classification: Pathogenic for Hereditary cancer-predisposing syndrome. Last evaluated: 2018-01-25. Review status: criteria provided, single submitter. Criteria: Ambry Variant Classification Scheme 2023. Collection method: clinical testing. Allele origin: germline.
Comment: The c.1937delA pathogenic mutation, located in coding exon 4 of the MSH6 gene, results from a deletion of one nucleotide at nucleotide position 1937, causing a translational frameshift with a predicted alternate stop codon (p.K646Sfs*2). This alteration is expected to result in loss of function by premature protein truncation or nonsense-mediated mRNA decay. As such, this alteration is interpreted as a disease-causing mutation.

Literature cited by the submitters: PubMed 18269114 (cited by Labcorp Genetics (formerly Invitae), Labcorp); PubMed 24362816 (cited by Labcorp Genetics (formerly Invitae), Labcorp).

NM_000179.3(MSH6):c.1937del (p.Lys646fs)

Gene: MSH6 (mutS homolog 6; plus strand). Cytogenetic location: 2p16.3.
Variant type: Deletion.
Coding change: c.1937del on transcript NM_000179.3 (MANE Select); coding-DNA position 1937, one base deleted (A; older notation c.1937delA).
Protein change: p.Lys646fs; shifts the reading frame from lysine 646.
Molecular consequence: frameshift variant.
Genome position (GRCh38, 1-based): chr2:47,799,920, A deleted; the last of 4 consecutive A bases (chr2:47,799,917-47,799,920); deleting any one gives the same sequence. VCF-style (leftmost placement, unchanged base first): chr2-47799916-GA-G. GRCh37 (hg19) VCF-style: chr2-48027055-GA-G.
Other names: c.1937delA (NM_000179.2); c.1547del, p.Lys516fs (NM_001281492.2); c.1031del, p.Lys344fs (NM_001281493.2, NM_001281494.2); short protein forms K344fs, K646fs, K516fs.
Identifiers: ClinVar variation 428368 (VCV000428368.15), dbSNP rs1114167747, ClinGen allele CA532705470.